The following is an entry in ClinVar:

NM_004006.3(DMD):c.2761G>C (p.Val921Leu)

Gene: DMD (dystrophin; minus strand). Cytogenetic location: Xp21.1.
Variant type: single nucleotide variant.
Coding change: c.2761G>C on transcript NM_004006.3 (MANE Select); coding-DNA position 2761, G replaced by C.
Protein change: p.Val921Leu; replaces valine 921 with leucine.
Molecular consequence: missense variant.
Genome position (GRCh38, 1-based): chrX:32,484,961, C>G on the plus strand (G>C on the coding strand, the complement: DMD is on the minus strand). VCF-style: chrX-32484961-C-G. GRCh37 (hg19) VCF-style: chrX-32503078-C-G.
Other names: c.2737G>C, p.Val913Leu (NM_000109.4); c.2749G>C, p.Val917Leu (NM_004009.3); c.2392G>C, p.Val798Leu (NM_004010.3); short protein forms V913L, V917L, V798L, V921L.
Identifiers: ClinVar variation 2016450 (VCV002016450.4), dbSNP rs746919167, ClinGen allele CA412670722.
Genomic context (GRCh38, chrX:32,484,961, plus strand): 5'-TTTAGGCTTTTTACTTACTTGTCTGTAGCTCTTTCTCTCTGGCCTGCACATCAGAAAAGA[C>G]TTGCTTAAAATGATTTGTAAAGGCCACAAAGTCTGCATCCAGGAACATGGGTCCTTGTCC-3'
Protein context (NP_003997.2, residues 911-931): FVAFTNHFKQ[Val921Leu]FSDVQAREKE

ClinVar aggregate classification (germline): Uncertain significance (1 of 4 stars; one submission).

Conditions:
Duchenne muscular dystrophy (DMD). Also called: MUSCULAR DYSTROPHY, PSEUDOHYPERTROPHIC PROGRESSIVE, DUCHENNE TYPE; Duchenne Muscular Dystrophy (DMD). Identifiers: Orphanet 98896, MedGen C0013264, MONDO:0010679, OMIM 310200.

Submission:

Labcorp Genetics (formerly Invitae), Labcorp
Classification: Uncertain significance for Duchenne muscular dystrophy. Last evaluated: 2025-10-20. Review status: criteria provided, single submitter. Criteria: Invitae Variant Classification Sherloc (09022015). Collection method: clinical testing. Allele origin: germline.
Comment: This sequence change replaces valine, which is neutral and non-polar, with leucine, which is neutral and non-polar, at codon 921 of the DMD protein (p.Val921Leu). This variant is not present in population databases (gnomAD no frequency). This variant has not been reported in the literature in individuals affected with DMD-related conditions. ClinVar contains an entry for this variant (Variation ID: 2016450). Invitae Evidence Modeling of protein sequence and biophysical properties (such as structural, functional, and spatial information, amino acid conservation, physicochemical variation, residue mobility, and thermodynamic stability) indicates that this missense variant is not expected to disrupt DMD protein function with a negative predictive value of 95%. In summary, the available evidence is currently insufficient to determine the role of this variant in disease. Therefore, it has been classified as a Variant of Uncertain Significance.